The following is an entry in ClinVar:

NM_001355436.2(SPTB):c.5038G>T (p.Glu1680Ter)

Gene: SPTB (spectrin beta, erythrocytic; minus strand). Cytogenetic location: 14q23.3.
Variant type: single nucleotide variant.
Coding change: c.5038G>T on transcript NM_001355436.2 (MANE Select); coding-DNA position 5038, G replaced by T.
Protein change: p.Glu1680Ter; replaces glutamic acid 1680 with a stop codon.
Molecular consequence: nonsense.
Genome position (GRCh38, 1-based): chr14:64,773,360, C>A on the plus strand (G>T on the coding strand, the complement: SPTB is on the minus strand). VCF-style: chr14-64773360-C-A. GRCh37 (hg19) VCF-style: chr14-65240078-C-A.
Other names: c.5038G>T, p.Glu1680Ter (NM_001024858.4, NM_001355437.2); short protein forms E1680*.
Identifiers: ClinVar variation 1454599 (VCV001454599.6), dbSNP rs868011757, ClinGen allele CA390042352.

ClinVar aggregate classification (germline): Pathogenic (1 of 4 stars; one submission).

Submission:

Labcorp Genetics (formerly Invitae), Labcorp
Classification: Pathogenic. Last evaluated: 2022-08-08. Review status: criteria provided, single submitter. Criteria: Invitae Variant Classification Sherloc (09022015). Collection method: clinical testing. Allele origin: germline.
Comment: For these reasons, this variant has been classified as Pathogenic. Algorithms developed to predict the effect of sequence changes on RNA splicing suggest that this variant may create or strengthen a splice site. ClinVar contains an entry for this variant (Variation ID: 1454599). This variant has not been reported in the literature in individuals affected with SPTB-related conditions. This variant is not present in population databases (gnomAD no frequency). This sequence change creates a premature translational stop signal (p.Glu1680*) in the SPTB gene. It is expected to result in an absent or disrupted protein product. Loss-of-function variants in SPTB are known to be pathogenic (PMID: 1391962, 1498324, 8844207, 26830532, 27292444).

Literature cited by the submitters: PubMed 1391962; PubMed 1498324; PubMed 8844207; PubMed 26830532; PubMed 27292444.